The following is an entry in ClinVar:

NM_001754.5(RUNX1):c.770C>G (p.Thr257Ser)

Gene: RUNX1 (RUNX family transcription factor 1; minus strand). Cytogenetic location: 21q22.12.
Variant type: single nucleotide variant.
Coding change: c.770C>G on transcript NM_001754.5 (MANE Select); coding-DNA position 770, C replaced by G.
Protein change: p.Thr257Ser; replaces threonine 257 with serine.
Molecular consequence: missense variant.
Genome position (GRCh38, 1-based): chr21:34,834,445, G>C on the plus strand (C>G on the coding strand, the complement: RUNX1 is on the minus strand). VCF-style: chr21-34834445-G-C. GRCh37 (hg19) VCF-style: chr21-36206742-G-C.
Other names: c.689C>G, p.Thr230Ser (NM_001001890.3, NM_001122607.2); short protein forms T230S, T257S.
Identifiers: ClinVar variation 4843716 (VCV004843716.1).

ClinVar aggregate classification (germline): Uncertain significance (1 of 4 stars; one submission).

Conditions:
Inborn genetic diseases. Identifiers: MedGen C0950123, MeSH D030342.

Submission:

Ambry Genetics
Classification: Uncertain significance for Inborn genetic diseases. Last evaluated: 2026-01-11. Review status: criteria provided, single submitter. Criteria: Ambry Variant Classification Scheme 2023. Collection method: clinical testing. Allele origin: germline.
Comment: The p.T257S variant (also known as c.770C>G), located in coding exon 6 of the RUNX1 gene, results from a C to G substitution at nucleotide position 770. The threonine at codon 257 is replaced by serine, an amino acid with similar properties. This amino acid position is conserved. In addition, the in silico prediction for this alteration is inconclusive. Based on the available evidence, the clinical significance of this variant remains unclear.